The following is an entry in ClinVar:

ClinVar aggregate classification (germline): Uncertain significance (1 of 4 stars; one submission).

Conditions:
Hereditary cancer-predisposing syndrome. Also called: Neoplastic Syndromes, Hereditary; Tumor predisposition; Hereditary neoplastic syndrome; Hereditary Cancer Syndrome. Identifiers: Orphanet 140162, MedGen C0027672, MeSH D009386, MONDO:0015356.

Allele frequency attached by ClinVar (database versions not stated): gnomAD exomes below 0.00001.
gnomAD v4.1: 2 of 1,613,354 alleles (0.00012%); highest among the groups gnomAD compares: East Asian, 0.0022%; no homozygotes.

Submission:

Ambry Genetics
Classification: Uncertain significance for Hereditary cancer-predisposing syndrome. Last evaluated: 2023-10-29. Review status: criteria provided, single submitter. Criteria: Ambry Variant Classification Scheme 2023. Collection method: clinical testing. Allele origin: germline.
Comment: The p.T135I variant (also known as c.404C>T), located in coding exon 4 of the FANCC gene, results from a C to T substitution at nucleotide position 404. The threonine at codon 135 is replaced by isoleucine, an amino acid with similar properties. This amino acid position is conserved. In addition, this alteration is predicted to be tolerated by in silico analysis. Since supporting evidence is limited at this time, the clinical significance of this alteration remains unclear.

NM_000136.3(FANCC):c.404C>T (p.Thr135Ile)

Gene: FANCC (FA complementation group C; minus strand). Cytogenetic location: 9q22.32.
Variant type: single nucleotide variant.
Coding change: c.404C>T on transcript NM_000136.3 (MANE Select); coding-DNA position 404, C replaced by T.
Protein change: p.Thr135Ile; replaces threonine 135 with isoleucine.
Molecular consequence: missense variant.
Genome position (GRCh38, 1-based): chr9:95,172,089, G>A on the plus strand (C>T on the coding strand, the complement: FANCC is on the minus strand). VCF-style: chr9-95172089-G-A. GRCh37 (hg19) VCF-style: chr9-97934371-G-A.
Other names: c.404C>T, p.Thr135Ile (NM_001243743.2, NM_001243744.2); short protein forms T135I.
Identifiers: ClinVar variation 3230380 (VCV003230380.1), dbSNP rs2135588160, ClinGen allele CA374338800.